The following is an entry in ClinVar:

NM_138713.4(NFAT5):c.283A>G (p.Met95Val)

Gene: NFAT5 (nuclear factor of activated T cells 5; plus strand). Cytogenetic location: 16q22.1.
Variant type: single nucleotide variant.
Coding change: c.283A>G on transcript NM_138713.4 (MANE Select); coding-DNA position 283, A replaced by G.
Protein change: p.Met95Val; replaces methionine 95 with valine.
Molecular consequence: missense variant. On other transcripts: synonymous variant (1), initiator codon variant (3).
Genome position (GRCh38, 1-based): chr16:69,647,057, A>G. VCF-style: chr16-69647057-A-G. GRCh37 (hg19) VCF-style: chr16-69680960-A-G.
Other names: c.283A>G, p.Met95Val (NM_001113178.3); c.30A>G, p.Pro10= (NM_001367709.1); c.229A>G, p.Met77Val (NM_006599.4); c.1A>G, p.Met1Val (NM_138714.4, NM_173214.3, NM_173215.3); short protein forms M95V, M1V, M77V.
Identifiers: ClinVar variation 838968 (VCV000838968.10), dbSNP rs369918817, ClinGen allele CA283342698.
Genomic context (GRCh38, chr16:69,647,057, plus strand): 5'-AGTGTATTTACTCTTGAATTGTACACTGCAGATGCTTCTTCAGCTCCCTCCTCTTCCTCC[A>G]TGGGCGGTGCTTGCAGCTCCTTTACCACCTCTTCCAGCCCTACCATTTATTCTACCTCAG-3'
Protein context (NP_619727.2, residues 85-105): DASSAPSSSS[Met95Val]GGACSSFTTS

ClinVar aggregate classification (germline): Uncertain significance (1 of 4 stars; one submission).

Conditions:
Immunodeficiency. Identifiers: MedGen C0021051, MONDO:0021094, HP:0002721.

Allele frequency attached by ClinVar (database versions not stated): TOPMed 0.00002; gnomAD 0.00003; ESP Exome Variant Server 0.00008.
gnomAD v4.1: 25 of 1,596,720 alleles (0.0016%); highest among the groups gnomAD compares: Middle Eastern, 0.017%; no homozygotes.

Submission:

Labcorp Genetics (formerly Invitae), Labcorp
Classification: Uncertain significance for Immunodeficiency. Last evaluated: 2019-04-20. Review status: criteria provided, single submitter. Criteria: Invitae Variant Classification Sherloc (09022015). Collection method: clinical testing. Allele origin: germline.
Comment: The current clinical and genetic evidence is not sufficient to establish whether loss-of-function variants in NFAT5 cause disease. This variant has not been reported in the literature in individuals with NFAT5-related conditions. This variant is not present in population databases (ExAC no frequency). This sequence change affects the initiator methionine of the NFAT5 mRNA. The next in-frame methionine is located at codon 27. In summary, the available evidence is currently insufficient to determine the role of this variant in disease. Therefore, it has been classified as a Variant of Uncertain Significance.